The following is an entry in ClinVar:

ClinVar aggregate classification (germline): Uncertain significance (1 of 4 stars; one submission).

Conditions:
Cardiovascular phenotype. Identifiers: MedGen CN230736.

Allele frequency attached by ClinVar (database versions not stated): gnomAD 0.00003; ExAC 0.00005; TOPMed 0.00006.

Submission:

Ambry Genetics
Classification: Uncertain significance for Cardiovascular phenotype. Last evaluated: 2024-03-15. Review status: criteria provided, single submitter. Criteria: Ambry Variant Classification Scheme 2023. Collection method: clinical testing. Allele origin: germline.
Comment: The p.R278C variant (also known as c.832C>T), located in coding exon 3 of the APOE gene, results from a C to T substitution at nucleotide position 832. The arginine at codon 278 is replaced by cysteine, an amino acid with highly dissimilar properties. This amino acid position is conserved. In addition, this alteration is predicted to be tolerated by in silico analysis. Since supporting evidence is limited at this time, the clinical significance of this alteration remains unclear.

NM_000041.4(APOE):c.832C>T (p.Arg278Cys)

Gene: APOE (apolipoprotein E; plus strand). Cytogenetic location: 19q13.32.
Variant type: single nucleotide variant.
Coding change: c.832C>T on transcript NM_000041.4 (MANE Select); coding-DNA position 832, C replaced by T.
Protein change: p.Arg278Cys; replaces arginine 278 with cysteine.
Molecular consequence: missense variant.
Genome position (GRCh38, 1-based): chr19:44,909,128, C>T. VCF-style: chr19-44909128-C-T. GRCh37 (hg19) VCF-style: chr19-45412385-C-T.
Other names: c.910C>T, p.Arg304Cys (NM_001302688.2); c.832C>T, p.Arg278Cys (NM_001302689.2, NM_001302690.2, NM_001302691.2); short protein forms R278C, R304C.
Identifiers: ClinVar variation 1762954 (VCV001762954.3), dbSNP rs762845923, ClinGen allele CA9506104.
Genomic context (GRCh38, chr19:44,909,128, plus strand): 5'-CGCGCCAAGCTGGAGGAGCAGGCCCAGCAGATACGCCTGCAGGCCGAGGCCTTCCAGGCC[C>T]GCCTCAAGAGCTGGTTCGAGCCCCTGGTGGAAGACATGCAGCGCCAGTGGGCCGGGCTGG-3'
Protein context (NP_000032.1, residues 268-288): IRLQAEAFQA[Arg278Cys]LKSWFEPLVE